The following is an entry in ClinVar:

NM_012064.4(MIP):c.-10C>A

Gene: MIP (major intrinsic protein of lens fiber; minus strand). Cytogenetic location: 12q13.3.
Variant type: single nucleotide variant.
Coding change: c.-10C>A on transcript NM_012064.4 (MANE Select); 10 bases upstream of the start codon, C replaced by A.
Molecular consequence: 5 prime UTR variant.
Genome position (GRCh38, 1-based): chr12:56,454,623, G>T on the plus strand (C>A on the coding strand, the complement: MIP is on the minus strand). VCF-style: chr12-56454623-G-T. GRCh37 (hg19) VCF-style: chr12-56848407-G-T.
Identifiers: ClinVar variation 309889 (VCV000309889.9), dbSNP rs61759527, ClinGen allele CA6632679.

ClinVar aggregate classification (germline): Benign/Likely benign. Review status: criteria provided, multiple submitters, no conflicts (2 of 4 stars). 3 submissions from 3 submitters: Benign (1); Likely benign (2). Last evaluated 2018-07-31.

Conditions:
Cataract 15 multiple types. Also called: CATARACT 15, LAMELLAR WITH SUTURAL OPACITIES. Identifiers: Orphanet 91492, MedGen C3809001, MONDO:0014110, OMIM 615274.

Allele frequency attached by ClinVar (database versions not stated): gnomAD exomes 0.01694 and 0.01939; ExAC 0.01785; 1000 Genomes Project 30x 0.00640; gnomAD 0.01623 and 0.01631; ESP Exome Variant Server 0.01661; 1000 Genomes Project 0.00599; TOPMed 0.01156.
gnomAD v4.1: 30,628 of 1,613,542 alleles (1.9%); highest among the groups gnomAD compares: Non-Finnish European, 2.1%; 382 homozygotes.

Submissions (3):

GeneDx
Classification: Likely benign. Last evaluated: 2018-07-31. Review status: criteria provided, single submitter. Criteria: GeneDx Variant Classification Process June 2021. Collection method: clinical testing. Allele origin: germline. Affected: yes.

Illumina Laboratory Services, Illumina
Classification: Benign for Cataract 15 multiple types. Last evaluated: 2018-01-12. Review status: criteria provided, single submitter. Criteria: ICSL Variant Classification Criteria 13 December 2019. Collection method: clinical testing. Allele origin: germline.
Comment: This variant was observed in the ICSL laboratory as part of a predisposition screen in an ostensibly healthy population. It had not been previously curated by ICSL or reported in the Human Gene Mutation Database (HGMD: prior to June 1st, 2018), and was therefore a candidate for classification through an automated scoring system. Utilizing variant allele frequency, disease prevalence and penetrance estimates, and inheritance mode, an automated score was calculated to assess if this variant is too frequent to cause the disease. Based on the score and internal cut-off values, a variant classified as benign is not then subjected to further curation. The score for this variant resulted in a classification of benign for this disease.

Breakthrough Genomics
Classification: Likely benign. Review status: criteria provided, single submitter. Criteria: ACMG Guidelines, 2015. Collection method: not provided. Allele origin: germline. Inheritance: Autosomal dominant inheritance. Affected: yes.